The following is an entry in ClinVar:

ClinVar aggregate classification (germline): Likely pathogenic (1 of 4 stars; one submission).

Conditions:
Developmental and epileptic encephalopathy, 13 (DEE13). Also called: Early infantile epileptic encephalopathy 13; SCN8A-Related Epilepsy; Developmental and Epileptic Encephalopathy (SCN8A-DEE). Identifiers: Orphanet 442835, MedGen C3281191, MONDO:0013801, OMIM 614558.

Submission:

Illumina Laboratory Services, Illumina
Classification: Likely pathogenic for Early infantile epileptic encephalopathy 13. Last evaluated: 2019-07-23. Review status: criteria provided, single submitter. Criteria: ICSLVariantClassificationCriteria RUGD 01 April 2020. Collection method: clinical testing. Allele origin: unknown.
Comment: The SCN8A c.4007T>C (p.Ile1336Thr) variant is a missense variant. A literature search was performed for the gene, cDNA change, and amino acid change. No publications were found based on this search. This variant is not found in the Genome Aggregation Database in a region of good sequencing coverage, so the variant is presumed to be rare. Based on absence from public databases, identification in a de novo state, in silico prediction data, and a low rate of benign missense variation in the SCN8A gene, the p.Ile1336Thr variant is classified as likely pathogenic for SCN8A-related epilepsy with encephalopathy.

NM_001330260.2(SCN8A):c.4007T>C (p.Ile1336Thr)

Gene: SCN8A (sodium voltage-gated channel alpha subunit 8; plus strand). Cytogenetic location: 12q13.13.
Variant type: single nucleotide variant.
Coding change: c.4007T>C on transcript NM_001330260.2 (MANE Select); coding-DNA position 4007, T replaced by C.
Protein change: p.Ile1336Thr; replaces isoleucine 1336 with threonine.
Molecular consequence: missense variant.
Genome position (GRCh38, 1-based): chr12:51,786,606, T>C. VCF-style: chr12-51786606-T-C. GRCh37 (hg19) VCF-style: chr12-52180390-T-C.
Other names: c.3884T>C, p.Ile1295Thr (NM_001177984.3, NM_001369788.1); c.4007T>C, p.Ile1336Thr (NM_014191.4); short protein forms I1295T, I1336T.
Identifiers: ClinVar variation 989260 (VCV000989260.4), dbSNP rs1938093232, ClinGen allele CA384904777.